The following is an entry in ClinVar:

ClinVar aggregate classification (germline): Likely benign. Review status: criteria provided, multiple submitters, no conflicts (2 of 4 stars). 2 submissions from 2 submitters: Likely benign (2). Last evaluated 2026-01-17.

Allele frequency attached by ClinVar (database versions not stated): ExAC 0.00002; gnomAD exomes 0.00003 and 0.00004; TOPMed 0.00006; gnomAD 0.00009.
gnomAD v4.1: 73 of 1,613,828 alleles (0.0045%); highest among the groups gnomAD compares: Non-Finnish European, 0.0058%; no homozygotes.

Submissions (2):

Labcorp Genetics (formerly Invitae), Labcorp
Classification: Likely benign. Last evaluated: 2026-01-17. Review status: criteria provided, single submitter. Criteria: Invitae Variant Classification Sherloc (09022015). Collection method: clinical testing. Allele origin: germline.

CeGaT Center for Human Genetics Tuebingen
Classification: Likely benign. Last evaluated: 2024-03-01. Review status: criteria provided, single submitter. Criteria: CeGaT Center For Human Genetics Tuebingen Variant Classification Criteria Version 2. Collection method: clinical testing. Allele origin: germline. Affected: yes. Observed: 2 variant alleles.
Comment: ARHGEF1: BP4, BP7

NM_004706.4(ARHGEF1):c.1770G>A (p.Leu590=)

Gene: ARHGEF1 (Rho guanine nucleotide exchange factor 1; plus strand). Cytogenetic location: 19q13.2.
Variant type: single nucleotide variant.
Coding change: c.1770G>A on transcript NM_004706.4 (MANE Select); coding-DNA position 1770, G replaced by A.
Protein change: p.Leu590=; no amino-acid change (leucine 590 retained).
Molecular consequence: synonymous variant.
Genome position (GRCh38, 1-based): chr19:41,903,338, G>A. VCF-style: chr19-41903338-G-A. GRCh37 (hg19) VCF-style: chr19-42407488-G-A.
Other names: c.1671G>A, p.Leu557= (NM_198977.2); c.1815G>A, p.Leu605= (NM_199002.2).
Identifiers: ClinVar variation 1091381 (VCV001091381.32), dbSNP rs782166356, ClinGen allele CA9466477.
Genomic context (GRCh38, chr19:41,903,338, plus strand): 5'-ACCAGAGCTGCTCTCTCCCTTGCCTGCAGAAGAGCCCACAGAACGGGAGAAAGTGGAGCT[G>A]GCAGCCGAGTGCTGCCGGGAAATTCTACACCACGTCAACCAAGCCGTGCGTGACATGGAG-3'
Protein context (NP_004697.2, residues 580-600): EEPTEREKVE[Leu590=]AAECCREILH